The following is an entry in ClinVar:

NM_007294.4(BRCA1):c.1211_1212insCT (p.Glu404fs)

Gene: BRCA1 (BRCA1 DNA repair associated; minus strand). Cytogenetic location: 17q21.31.
Variant type: Insertion.
Coding change: c.1211_1212insCT on transcript NM_007294.4 (MANE Select); coding-DNA positions 1211 to 1212, CT inserted.
Protein change: p.Glu404fs; shifts the reading frame from glutamic acid 404.
Molecular consequence: frameshift variant. On other transcripts: intron variant (137).
Genome position: GRCh38 VCF-style: chr17-43094319-T-TAG. GRCh37 (hg19) VCF-style: chr17-41246336-T-TAG.
Other names: c.998_999insCT, p.Glu333fs (NM_001407571.1, NM_001407853.1, NM_001407894.1 and 9 more transcripts); c.1211_1212insCT, p.Glu404fs (NM_001407581.1, NM_001407582.1, NM_001407583.1 and 30 more transcripts); c.1208_1209insCT, p.Glu403fs (NM_001407587.1, NM_001407590.1, NM_001407591.1 and 22 more transcripts); c.1202_1203insCT, p.Glu401fs (NM_001407646.1, NM_001407647.1); c.1088_1089insCT, p.Glu363fs (NM_001407648.1, NM_001407664.1, NM_001407665.1 and 19 more transcripts); c.1085_1086insCT, p.Glu362fs (NM_001407649.1, NM_001407670.1, NM_001407671.1 and 11 more transcripts); c.1133_1134insCT, p.Glu378fs (NM_001407653.1, NM_001407654.1, NM_001407655.1 and 4 more transcripts); c.1130_1131insCT, p.Glu377fs (NM_001407659.1, NM_001407660.1, NM_001407661.1 and 1 more transcripts); and 40 more; short protein forms E357fs, E404fs, E108fs, E316fs, E236fs, E293fs, E276fs, E277fs.
Identifiers: ClinVar variation 548221 (VCV000548221.2), dbSNP rs1555592174, ClinGen allele CA658824534.

ClinVar aggregate classification (germline): Pathogenic (3 of 4 stars; one submission).

Conditions:
Breast-ovarian cancer, familial, susceptibility to, 1 (BROVCA1). Also called: BRCA1 Hereditary Breast and Ovarian Cancer; OVARIAN CANCER, SUSCEPTIBILITY TO. Identifiers: Orphanet 145, MedGen C2676676, MONDO:0011450, OMIM 604370. Disease mechanism: loss of function.

Submission:

Evidence-based Network for the Interpretation of Germline Mutant Alleles (ENIGMA)
Classification: Pathogenic for Breast-ovarian cancer, familial, susceptibility to, 1. Last evaluated: 2017-12-15. Review status: reviewed by expert panel. Criteria: ENIGMA BRCA1/2 Classification Criteria (2017-06-29). Collection method: curation. Allele origin: germline. Study: ENIGMA.
Comment: Variant allele predicted to encode a truncated non-functional protein.